The following is an entry in ClinVar:

NM_000487.6(ARSA):c.1100C>T (p.Thr367Ile)

Gene: ARSA (arylsulfatase A; minus strand). Cytogenetic location: 22q13.33.
Variant type: single nucleotide variant.
Coding change: c.1100C>T on transcript NM_000487.6 (MANE Select); coding-DNA position 1100, C replaced by T.
Protein change: p.Thr367Ile; replaces threonine 367 with isoleucine.
Molecular consequence: missense variant.
Genome position (GRCh38, 1-based): chr22:50,625,943, G>A on the plus strand (C>T on the coding strand, the complement: ARSA is on the minus strand). VCF-style: chr22-50625943-G-A. GRCh37 (hg19) VCF-style: chr22-51064371-G-A.
Other names: c.1100C>T, p.Thr367Ile (NM_001085425.3, NM_001085426.3, NM_001085427.3); c.842C>T, p.Thr281Ile (NM_001085428.3, NM_001362782.2); short protein forms T367I, T281I.
Identifiers: ClinVar variation 5004912 (VCV005004912.1).

ClinVar aggregate classification (germline): Uncertain significance (1 of 4 stars; one submission).

Conditions:
Metachromatic leukodystrophy (MLD). Also called: ARSA DEFICIENCY; CEREBROSIDE SULFATASE DEFICIENCY; METACHROMATIC LEUKOENCEPHALOPATHY; Cerebral sclerosis diffuse metachromatic form; Arylsulfatase A Deficiency; SULFATIDE LIPIDOSIS. Identifiers: Orphanet 512, MedGen C0023522, MONDO:0018868, OMIM 250100.

Submission:

Myriad Genetics, Inc.
Classification: Uncertain significance for Metachromatic leukodystrophy. Last evaluated: 2026-03-02. Review status: criteria provided, single submitter. Criteria: Myriad Autosomal Dominant, Autosomal Recessive and X-Linked Classification Criteria (2023). Collection method: clinical testing. Allele origin: unknown.
Comment: NM_000487.5(ARSA):c.1100C>T(T367I) is a missense variant classified as a variant of uncertain significance in the context of metachromatic leukodystrophy. T367I has not been observed in cases with relevant disease. Relevant functional assessments of this variant are not available in the literature. T367I has not been observed in referenced population frequency databases. In summary, there is insufficient evidence to classify NM_000487.5(ARSA):c.1100C>T(T367I) as pathogenic or benign. Please note: this variant was assessed in the context of healthy population screening.